The following is an entry in ClinVar:

ClinVar aggregate classification (germline): Likely pathogenic. Review status: criteria provided, multiple submitters, no conflicts (2 of 4 stars). 2 submissions from 2 submitters: Likely pathogenic (2). Last evaluated 2026-06-22.

Conditions:
TMTC3-related disorder. Also called: TMTC3-related condition.
Lissencephaly 8 (LIS8). Identifiers: MedGen C4310646, MONDO:0014992, OMIM 617255.

Submissions (2):

PreventionGenetics, part of Exact Sciences
Classification: Likely pathogenic for TMTC3-related condition. Last evaluated: 2026-06-22. Review status: criteria provided, single submitter. Criteria: ACMG Guidelines, 2015. Collection method: clinical testing. Allele origin: germline.
Comment: The TMTC3 c.1432+1G>A variant is predicted to disrupt the GT donor site and interfere with normal splicing. To our knowledge, this variant has not been reported in the literature or a large population database (gnomAD), indicating this variant is rare. Variants that disrupt the consensus splice donor site in TMTC3 are expected to be pathogenic. This variant is interpreted as likely pathogenic.

Department of Pathology and Laboratory Medicine, Sinai Health System
Classification: Likely pathogenic for Lissencephaly 8. Last evaluated: 2023-04-03. Review status: criteria provided, single submitter. Criteria: ACMG Guidelines, 2015. Collection method: research. Allele origin: germline.

NM_181783.4(TMTC3):c.1432+1G>A

Gene: TMTC3 (transmembrane O-mannosyltransferase targeting cadherins 3; plus strand). Cytogenetic location: 12q21.32.
Variant type: single nucleotide variant.
Coding change: c.1432+1G>A on transcript NM_181783.4 (MANE Select); the canonical splice donor site of the intron after coding-DNA position 1432, G replaced by A.
Molecular consequence: splice donor variant.
Genome position (GRCh38, 1-based): chr12:88,176,320, G>A. VCF-style: chr12-88176320-G-A. GRCh37 (hg19) VCF-style: chr12-88570097-G-A.
Other names: c.1213+1G>A (NM_001366579.1); c.1252+1G>A (NM_001366574.1); c.1165+1G>A (NM_001366580.1); c.739+1G>A (NM_001366583.1); c.1432+1G>A (NM_181783.3).
Identifiers: ClinVar variation 3780722 (VCV003780722.2).